The following is an entry in ClinVar:

NM_000245.4(MET):c.1626C>T (p.His542=)

Gene: MET (MET proto-oncogene, receptor tyrosine kinase; plus strand). Cytogenetic location: 7q31.2.
Variant type: single nucleotide variant.
Coding change: c.1626C>T on transcript NM_000245.4 (MANE Select); coding-DNA position 1626, C replaced by T.
Protein change: p.His542=; no amino-acid change (histidine 542 retained).
Molecular consequence: synonymous variant.
Genome position (GRCh38, 1-based): chr7:116,740,950, C>T. VCF-style: chr7-116740950-C-T. GRCh37 (hg19) VCF-style: chr7-116381004-C-T.
Other names: c.1626C>T, p.His542= (NM_001127500.3, NM_001324401.3); c.336C>T, p.His112= (NM_001324402.2).
Identifiers: ClinVar variation 215787 (VCV000215787.27), dbSNP rs762898756, ClinGen allele CA338825.

ClinVar aggregate classification (germline): Benign/Likely benign. Review status: criteria provided, multiple submitters, no conflicts (2 of 4 stars). 5 submissions from 5 submitters: Benign (1); Likely benign (4). Last evaluated 2026-01-26.

Conditions:
Hereditary cancer-predisposing syndrome. Also called: Tumor predisposition; Neoplastic Syndromes, Hereditary; Hereditary Cancer Syndrome; Hereditary neoplastic syndrome. Identifiers: Orphanet 140162, MedGen C0027672, MeSH D009386, MONDO:0015356.
Renal cell carcinoma. Identifiers: Orphanet 217071, MedGen C0007134, MeSH D002292, MONDO:0005086, HP:0005584.
Papillary renal cell carcinoma type 1 (RCCP1). Also called: Renal adenocarcinoma; Renal cell carcinoma 1; Renal cell carcinoma, somatic; RENAL CELL CARCINOMA, PAPILLARY, 1, SOMATIC. Identifiers: Orphanet 47044, MedGen C1336839, OMIM 605074, HP:0011797.

Allele frequency attached by ClinVar (database versions not stated): ExAC 0.00002; TOPMed 0.00002; gnomAD 0.00003; gnomAD exomes 0.00004.
gnomAD v4.1: 34 of 1,613,932 alleles (0.0021%); highest among the groups gnomAD compares: Middle Eastern, 0.033%; no homozygotes.

Submissions (5):

Labcorp Genetics (formerly Invitae), Labcorp
Classification: Likely benign for Renal cell carcinoma. Last evaluated: 2026-01-26. Review status: criteria provided, single submitter. Criteria: Invitae Variant Classification Sherloc (09022015). Collection method: clinical testing. Allele origin: germline.

CeGaT Center for Human Genetics Tuebingen
Classification: Likely benign. Last evaluated: 2025-04-01. Review status: criteria provided, single submitter. Criteria: CeGaT Center For Human Genetics Tuebingen Variant Classification Criteria Version 2. Collection method: clinical testing. Allele origin: germline. Affected: yes. Observed: 1 variant allele.
Comment: MET: BP4, BP7

Myriad Genetics, Inc.
Classification: Benign for Papillary renal cell carcinoma type 1. Last evaluated: 2024-11-07. Review status: criteria provided, single submitter. Criteria: Myriad Autosomal Dominant, Autosomal Recessive and X-Linked Classification Criteria (2023). Collection method: clinical testing. Allele origin: unknown.
Comment: This variant is considered benign. This variant is a silent/synonymous amino acid change and it is not expected to impact splicing.

GeneDx
Classification: Likely benign. Last evaluated: 2019-11-06. Review status: criteria provided, single submitter. Criteria: GeneDx Variant Classification Process June 2021. Collection method: clinical testing. Allele origin: germline. Affected: yes.

Ambry Genetics
Classification: Likely benign for Hereditary cancer-predisposing syndrome. Last evaluated: 2019-02-27. Review status: criteria provided, single submitter. Criteria: Ambry Variant Classification Scheme 2023. Collection method: clinical testing. Allele origin: germline.